The following is an entry in ClinVar:

ClinVar aggregate classification (germline): Uncertain significance. Review status: criteria provided, multiple submitters, no conflicts (2 of 4 stars). 2 submissions from 2 submitters: Uncertain significance (2). Last evaluated 2025-03-17.

Allele frequency attached by ClinVar (database versions not stated): TOPMed below 0.00001; gnomAD 0.00001; ExAC 0.00002; gnomAD exomes 0.00002.
gnomAD v4.1: 28 of 1,591,522 alleles (0.0018%); highest among the groups gnomAD compares: Middle Eastern, 0.016%; no homozygotes.

Submissions (2):

Labcorp Genetics (formerly Invitae), Labcorp
Classification: Uncertain significance. Last evaluated: 2025-03-17. Review status: criteria provided, single submitter. Criteria: Invitae Variant Classification Sherloc (09022015). Collection method: clinical testing. Allele origin: germline.
Comment: This sequence change replaces arginine, which is basic and polar, with glutamine, which is neutral and polar, at codon 961 of the DSCAML1 protein (p.Arg961Gln). The frequency data for this variant in the population databases is considered unreliable, as metrics indicate poor data quality at this position in the gnomAD database. This variant has not been reported in the literature in individuals affected with DSCAML1-related conditions. ClinVar contains an entry for this variant (Variation ID: 2170198). An algorithm developed to predict the effect of missense changes on protein structure and function (PolyPhen-2) suggests that this variant is likely to be disruptive. In summary, the available evidence is currently insufficient to determine the role of this variant in disease. Therefore, it has been classified as a Variant of Uncertain Significance.

Ambry Genetics
Classification: Uncertain significance. Last evaluated: 2024-05-15. Review status: criteria provided, single submitter. Criteria: Ambry Variant Classification Scheme 2023. Collection method: clinical testing. Allele origin: germline.

NM_020693.4(DSCAML1):c.2702G>A (p.Arg901Gln)

Gene: DSCAML1 (DS cell adhesion molecule like 1; minus strand). Cytogenetic location: 11q23.3.
Variant type: single nucleotide variant.
Coding change: c.2702G>A on transcript NM_020693.4 (MANE Select); coding-DNA position 2702, G replaced by A.
Protein change: p.Arg901Gln; replaces arginine 901 with glutamine.
Molecular consequence: missense variant.
Genome position (GRCh38, 1-based): chr11:117,480,526, C>T on the plus strand (G>A on the coding strand, the complement: DSCAML1 is on the minus strand). VCF-style: chr11-117480526-C-T. GRCh37 (hg19) VCF-style: chr11-117351241-C-T.
Other names: c.2702G>A, p.Arg901Gln (NM_001367904.1); c.2882G>A (NM_020693.2); short protein forms R901Q.
Identifiers: ClinVar variation 2170198 (VCV002170198.5), dbSNP rs770269870, ClinGen allele CA6296903.
Genomic context (GRCh38, chr11:117,480,526, plus strand): 5'-TCGAAGCCCGTGATGATGCTGTTCCCGTCGAATCGCTGGGTCCAGCGCAGGTTCATGCTC[C>T]GGGCCTTCACCTCCCGGATCTCCAGCTCTGGGGGGTCGGGGGGCTCTAGGGTGCGGCAGT-3'
Protein context (NP_065744.3, residues 891-911): PELEIREVKA[Arg901Gln]SMNLRWTQRF